The following is an entry in ClinVar:

NM_000075.4(CDK4):c.541C>T (p.Arg181Ter)

Gene: CDK4 (cyclin dependent kinase 4; minus strand). Cytogenetic location: 12q14.1.
Variant type: single nucleotide variant.
Coding change: c.541C>T on transcript NM_000075.4 (MANE Select); coding-DNA position 541, C replaced by T.
Protein change: p.Arg181Ter; replaces arginine 181 with a stop codon.
Molecular consequence: nonsense.
Genome position (GRCh38, 1-based): chr12:57,750,747, G>A on the plus strand (C>T on the coding strand, the complement: CDK4 is on the minus strand). VCF-style: chr12-57750747-G-A. GRCh37 (hg19) VCF-style: chr12-58144530-G-A.
Other names: short protein forms R181*.
Identifiers: ClinVar variation 1747429 (VCV001747429.5), dbSNP rs1595110257, ClinGen allele CA385545944.

ClinVar aggregate classification (germline): Uncertain significance. Review status: criteria provided, multiple submitters, no conflicts (2 of 4 stars). 2 submissions from 2 submitters: Uncertain significance (2). Last evaluated 2024-10-07.

Conditions:
Familial melanoma. Also called: Hereditary melanoma; Hereditary cutaneous melanoma. Identifiers: Orphanet 618, MedGen C1512419, MONDO:0018961.
Hereditary cancer-predisposing syndrome. Also called: Hereditary Cancer Syndrome; Neoplastic Syndromes, Hereditary; Tumor predisposition; Hereditary neoplastic syndrome. Identifiers: Orphanet 140162, MedGen C0027672, MeSH D009386, MONDO:0015356.

Submissions (2):

Labcorp Genetics (formerly Invitae), Labcorp
Classification: Uncertain significance for Familial melanoma. Last evaluated: 2024-10-07. Review status: criteria provided, single submitter. Criteria: Invitae Variant Classification Sherloc (09022015). Collection method: clinical testing. Allele origin: germline.
Comment: This sequence change creates a premature translational stop signal (p.Arg181*) in the CDK4 gene. It is expected to result in an absent or disrupted protein product. However, the current clinical and genetic evidence is not sufficient to establish whether loss-of-function variants in CDK4 cause disease. This variant is not present in population databases (gnomAD no frequency). This variant has not been reported in the literature in individuals affected with CDK4-related conditions. ClinVar contains an entry for this variant (Variation ID: 1747429). Algorithms developed to predict the effect of sequence changes on RNA splicing suggest that this variant may disrupt the consensus splice site. In summary, the available evidence is currently insufficient to determine the role of this variant in disease. Therefore, it has been classified as a Variant of Uncertain Significance.

Ambry Genetics
Classification: Uncertain significance for Hereditary cancer-predisposing syndrome. Last evaluated: 2022-09-21. Review status: criteria provided, single submitter. Criteria: Ambry Variant Classification Scheme 2023. Collection method: clinical testing. Allele origin: germline.
Comment: The p.R181* variant (also known as c.541C>T), located in coding exon 4 of the CDK4 gene, results from a C to T substitution at nucleotide position 541. This changes the amino acid from an arginine to a stop codon within coding exon 4. This alteration is expected to result in protein truncation or nonsense-mediated mRNA decay. However, loss of function of CDK4 has not been established as a mechanism of disease. Since supporting evidence is limited at this time, the clinical significance of this alteration remains unclear.